The following is an entry in ClinVar:

ClinVar aggregate classification (germline): Uncertain significance (1 of 4 stars; one submission).

Conditions:
Primary ciliary dyskinesia. Also called: Ciliary dyskinesia. Identifiers: Orphanet 244, MedGen C0008780, MONDO:0016575, HP:0012265.

Allele frequency attached by ClinVar (database versions not stated): gnomAD exomes below 0.00001; ExAC 0.00001.
gnomAD v4.1: 3 of 1,211,740 alleles (0.00025%); highest among the groups gnomAD compares: Admixed American, 0.0043%; no homozygotes.

Submission:

Labcorp Genetics (formerly Invitae), Labcorp
Classification: Uncertain significance for Primary ciliary dyskinesia. Last evaluated: 2022-07-18. Review status: criteria provided, single submitter. Criteria: Invitae Variant Classification Sherloc (09022015). Collection method: clinical testing. Allele origin: germline.
Comment: In summary, the available evidence is currently insufficient to determine the role of this variant in disease. Therefore, it has been classified as a Variant of Uncertain Significance. Algorithms developed to predict the effect of missense changes on protein structure and function output the following: SIFT: "Tolerated"; PolyPhen-2: "Benign"; Align-GVGD: "Class C0". The valine amino acid residue is found in multiple mammalian species, which suggests that this missense change does not adversely affect protein function. This variant has not been reported in the literature in individuals affected with RPGR-related conditions. This variant is present in population databases (rs780403919, gnomAD 0.008%). This sequence change replaces isoleucine, which is neutral and non-polar, with valine, which is neutral and non-polar, at codon 375 of the RPGR protein (p.Ile375Val).

NM_001034853.2(RPGR):c.1123A>G (p.Ile375Val)

Gene: RPGR (retinitis pigmentosa GTPase regulator; minus strand). Cytogenetic location: Xp11.4.
Variant type: single nucleotide variant.
Coding change: c.1123A>G on transcript NM_001034853.2 (MANE Select); coding-DNA position 1123, A replaced by G.
Protein change: p.Ile375Val; replaces isoleucine 375 with valine.
Molecular consequence: missense variant. On other transcripts: non-coding transcript variant (6), intron variant (2).
Genome position (GRCh38, 1-based): chrX:38,299,078, T>C on the plus strand (A>G on the coding strand, the complement: RPGR is on the minus strand). VCF-style: chrX-38299078-T-C. GRCh37 (hg19) VCF-style: chrX-38158331-T-C.
Other names: c.1123A>G, p.Ile375Val (NM_000328.3, NM_001367247.1); c.1120A>G, p.Ile374Val (NM_001367245.1, NM_001367249.1, NM_001367250.1); c.1153A>G, p.Ile385Val (NM_001367248.1); c.1060-1626A>G (NM_001367251.1, NM_001367246.1); short protein forms I385V, I374V, I375V.
Identifiers: ClinVar variation 1915425 (VCV001915425.5), dbSNP rs780403919, ClinGen allele CA10385536.